The following is an entry in ClinVar:

NM_002156.5(HSPD1):c.392T>G (p.Ile131Ser)

Gene: HSPD1 (heat shock protein family D (Hsp60) member 1; minus strand). Cytogenetic location: 2q33.1.
Variant type: single nucleotide variant.
Coding change: c.392T>G on transcript NM_002156.5 (MANE Select); coding-DNA position 392, T replaced by G.
Protein change: p.Ile131Ser; replaces isoleucine 131 with serine.
Molecular consequence: missense variant.
Genome position (GRCh38, 1-based): chr2:197,497,175, A>C on the plus strand (T>G on the coding strand, the complement: HSPD1 is on the minus strand). VCF-style: chr2-197497175-A-C. GRCh37 (hg19) VCF-style: chr2-198361899-A-C.
Other names: c.392T>G, p.Ile131Ser (NM_199440.2); c.392T>G (NM_002156.4); short protein forms I131S.
Identifiers: ClinVar variation 3777136 (VCV003777136.1).

ClinVar aggregate classification (germline): Uncertain significance (1 of 4 stars; one submission).

Conditions:
Hereditary spastic paraplegia 13 (SPG13). Also called: SPASTIC PARAPLEGIA 13, AUTOSOMAL DOMINANT; Spastic paraplegia 13. Identifiers: Orphanet 100994, MedGen C1854467, MONDO:0011532, OMIM 605280.

Submission:

University of Washington Department of Laboratory Medicine, University of Washington
Classification: Uncertain significance for Hereditary spastic paraplegia 13. Last evaluated: 2021-05-20. Review status: criteria provided, single submitter. Criteria: ACMG Guidelines, 2015. Collection method: clinical testing. Allele origin: unknown. Affected: yes.
Comment: The p.Ile131Ser variant in the HSPD1 gene has not been previously reported in association with disease and was absent from large population databases, including the Genome Aggregation Database. In silico tools predict that the p.Ile131Ser is deleterious; however, these predictions have not been tested directly. Using ACMG guidelines, this variant was classified as a variant of uncertain significance (ACMG evidence codes used: PM2_supporting, PP3).